The following is an entry in ClinVar:

ClinVar aggregate classification (germline): Uncertain significance. Review status: criteria provided, multiple submitters, no conflicts (2 of 4 stars). 2 submissions from 2 submitters: Uncertain significance (2). Last evaluated 2023-12-25.

Conditions:
Hereditary cancer-predisposing syndrome. Also called: Neoplastic Syndromes, Hereditary; Hereditary Cancer Syndrome; Tumor predisposition; Hereditary neoplastic syndrome. Identifiers: Orphanet 140162, MedGen C0027672, MeSH D009386, MONDO:0015356.

Allele frequency attached by ClinVar (database versions not stated): TOPMed below 0.00001.

Submissions (2):

Ambry Genetics
Classification: Uncertain significance for Hereditary cancer-predisposing syndrome. Last evaluated: 2023-12-25. Review status: criteria provided, single submitter. Criteria: Ambry Variant Classification Scheme 2023. Collection method: clinical testing. Allele origin: germline.
Comment: The p.A1532T variant (also known as c.4594G>A), located in coding exon 36 of the POLE gene, results from a G to A substitution at nucleotide position 4594. The alanine at codon 1532 is replaced by threonine, an amino acid with similar properties. This amino acid position is conserved. In addition, this alteration is predicted to be tolerated by in silico analysis. Since supporting evidence is limited at this time, the clinical significance of this alteration remains unclear.

Labcorp Genetics (formerly Invitae), Labcorp
Classification: Uncertain significance. Last evaluated: 2023-02-26. Review status: criteria provided, single submitter. Criteria: Invitae Variant Classification Sherloc (09022015). Collection method: clinical testing. Allele origin: germline.
Comment: This sequence change replaces alanine, which is neutral and non-polar, with threonine, which is neutral and polar, at codon 1532 of the POLE protein (p.Ala1532Thr). This variant is not present in population databases (gnomAD no frequency). This variant has not been reported in the literature in individuals affected with POLE-related conditions. ClinVar contains an entry for this variant (Variation ID: 2154165). Advanced modeling of protein sequence and biophysical properties (such as structural, functional, and spatial information, amino acid conservation, physicochemical variation, residue mobility, and thermodynamic stability) performed at Invitae indicates that this missense variant is not expected to disrupt POLE protein function. RNA analysis performed to evaluate the impact of this missense change on mRNA splicing indicates it does not significantly alter splicing (Invitae). In summary, the available evidence is currently insufficient to determine the role of this variant in disease. Therefore, it has been classified as a Variant of Uncertain Significance.

NM_006231.4(POLE):c.4594G>A (p.Ala1532Thr)

Gene: POLE (DNA polymerase epsilon, catalytic subunit; minus strand). Cytogenetic location: 12q24.33.
Variant type: single nucleotide variant.
Coding change: c.4594G>A on transcript NM_006231.4 (MANE Select); coding-DNA position 4594, G replaced by A.
Protein change: p.Ala1532Thr; replaces alanine 1532 with threonine.
Molecular consequence: missense variant.
Genome position (GRCh38, 1-based): chr12:132,642,954, C>T on the plus strand (G>A on the coding strand, the complement: POLE is on the minus strand). VCF-style: chr12-132642954-C-T. GRCh37 (hg19) VCF-style: chr12-133219540-C-T.
Other names: c.4594G>A (NM_006231.2); short protein forms A1532T.
Identifiers: ClinVar variation 2154165 (VCV002154165.5), dbSNP rs2042186032, ClinGen allele CA387379232.